The following is an entry in ClinVar:

NM_000535.7(PMS2):c.54T>C (p.Ile18=)

Gene: PMS2 (PMS1 homolog 2, mismatch repair system component; minus strand). Cytogenetic location: 7p22.1.
Variant type: single nucleotide variant.
Coding change: c.54T>C on transcript NM_000535.7 (MANE Select); coding-DNA position 54, T replaced by C.
Protein change: p.Ile18=; no amino-acid change (isoleucine 18 retained).
Molecular consequence: synonymous variant. On other transcripts: 5 prime UTR variant (8), non-coding transcript variant (1), intron variant (3).
Genome position (GRCh38, 1-based): chr7:6,006,001, A>G on the plus strand (T>C on the coding strand, the complement: PMS2 is on the minus strand). VCF-style: chr7-6006001-A-G. GRCh37 (hg19) VCF-style: chr7-6045632-A-G.
Other names: c.-352T>C (NM_001322003.2, NM_001322005.2, NM_001322009.2 and 1 more transcripts); c.54T>C, p.Ile18= (NM_001322006.2, NM_001322014.2); c.-162T>C (NM_001322007.2); c.-831T>C (NM_001322011.2, NM_001322012.2); c.-431T>C (NM_001322015.2); c.-52-1943T>C (NM_001322008.2); c.-242-1943T>C (NM_001322010.2, NM_001322004.2).
Identifiers: ClinVar variation 237920 (VCV000237920.21), dbSNP rs878854054, ClinGen allele CA10582531.

ClinVar aggregate classification (germline): Benign/Likely benign. Review status: criteria provided, multiple submitters, no conflicts (2 of 4 stars). 6 submissions from 6 submitters: Benign (1); Likely benign (5). Last evaluated 2026-06-28.

Conditions:
Lynch syndrome 4 (LYNCH4). Also called: Colorectal cancer, hereditary nonpolyposis, type 4; Hereditary non-polyposis colorectal cancer, type 4. Identifiers: Orphanet 144, MedGen C1838333, MONDO:0013699, OMIM 614337. Disease mechanism: loss of function.
Hereditary nonpolyposis colorectal neoplasms. Identifiers: MedGen C0009405, MeSH D003123.
Hereditary cancer-predisposing syndrome. Also called: Tumor predisposition; Neoplastic Syndromes, Hereditary; Hereditary Cancer Syndrome; Hereditary neoplastic syndrome. Identifiers: Orphanet 140162, MedGen C0027672, MeSH D009386, MONDO:0015356.

Submissions (6):

Women's Health and Genetics/Laboratory Corporation of America, LabCorp
Classification: Likely benign. Last evaluated: 2026-06-28. Review status: criteria provided, single submitter. Criteria: LabCorp Variant Classification Summary - May 2015. Collection method: clinical testing. Allele origin: germline.

Labcorp Genetics (formerly Invitae), Labcorp
Classification: Likely benign for Hereditary nonpolyposis colorectal neoplasms. Last evaluated: 2025-02-25. Review status: criteria provided, single submitter. Criteria: Invitae Variant Classification Sherloc (09022015). Collection method: clinical testing. Allele origin: germline.

Myriad Genetics, Inc.
Classification: Benign for Lynch syndrome 4. Last evaluated: 2025-01-23. Review status: criteria provided, single submitter. Criteria: Myriad Autosomal Dominant, Autosomal Recessive and X-Linked Classification Criteria (2023). Collection method: clinical testing. Allele origin: unknown.
Comment: This variant is considered benign. This variant is a silent/synonymous amino acid change and it is not expected to impact splicing.

Sema4
Classification: Likely benign for Hereditary cancer-predisposing syndrome. Last evaluated: 2022-03-16. Review status: criteria provided, single submitter. Criteria: Sema4 Curation Guidelines. Collection method: curation. Allele origin: germline.

Color Diagnostics, LLC DBA Color Health
Classification: Likely benign for Hereditary cancer-predisposing syndrome. Last evaluated: 2019-10-10. Review status: criteria provided, single submitter. Criteria: ACMG Guidelines, 2015. Collection method: clinical testing. Allele origin: germline.

Ambry Genetics
Classification: Likely benign for Hereditary cancer-predisposing syndrome. Last evaluated: 2018-07-10. Review status: criteria provided, single submitter. Criteria: Ambry Variant Classification Scheme 2023. Collection method: clinical testing. Allele origin: germline.